The following is an entry in ClinVar:

ClinVar aggregate classification (germline): Uncertain significance. Review status: criteria provided, multiple submitters, no conflicts (2 of 4 stars). 2 submissions from 2 submitters: Uncertain significance (2). Last evaluated 2025-09-15.

Conditions:
Inborn genetic diseases. Identifiers: MedGen C0950123, MeSH D030342.

Allele frequency attached by ClinVar (database versions not stated): gnomAD exomes below 0.00001; TOPMed below 0.00001.
gnomAD v4.1: 3 of 1,614,018 alleles (0.00019%); highest among the groups gnomAD compares: Non-Finnish European, 0.00025%; no homozygotes.

Submissions (2):

Labcorp Genetics (formerly Invitae), Labcorp
Classification: Uncertain significance. Last evaluated: 2025-09-15. Review status: criteria provided, single submitter. Criteria: Invitae Variant Classification Sherloc (09022015). Collection method: clinical testing. Allele origin: germline.
Comment: This sequence change replaces arginine, which is basic and polar, with serine, which is neutral and polar, at codon 563 of the COL4A1 protein (p.Arg563Ser). This variant is not present in population databases (gnomAD no frequency). This variant has not been reported in the literature in individuals affected with COL4A1-related conditions. ClinVar contains an entry for this variant (Variation ID: 2161012). Invitae Evidence Modeling of protein sequence and biophysical properties (such as structural, functional, and spatial information, amino acid conservation, physicochemical variation, residue mobility, and thermodynamic stability) indicates that this missense variant is not expected to disrupt COL4A1 protein function with a negative predictive value of 95%. In summary, the available evidence is currently insufficient to determine the role of this variant in disease. Therefore, it has been classified as a Variant of Uncertain Significance.

Ambry Genetics
Classification: Uncertain significance for Inborn genetic diseases. Last evaluated: 2021-02-25. Review status: criteria provided, single submitter. Criteria: Ambry Variant Classification Scheme 2023. Collection method: clinical testing. Allele origin: germline.

NM_001845.6(COL4A1):c.1689A>C (p.Arg563Ser)

Gene: COL4A1 (collagen type IV alpha 1 chain; minus strand). Cytogenetic location: 13q34.
Variant type: single nucleotide variant.
Coding change: c.1689A>C on transcript NM_001845.6 (MANE Select); coding-DNA position 1689, A replaced by C.
Protein change: p.Arg563Ser; replaces arginine 563 with serine.
Molecular consequence: missense variant.
Genome position (GRCh38, 1-based): chr13:110,187,177, T>G on the plus strand (A>C on the coding strand, the complement: COL4A1 is on the minus strand). VCF-style: chr13-110187177-T-G. GRCh37 (hg19) VCF-style: chr13-110839524-T-G.
Other names: c.1689A>C (NM_001845.4); short protein forms R563S.
Identifiers: ClinVar variation 2161012 (VCV002161012.5), dbSNP rs1286606506, ClinGen allele CA388722928.
Genomic context (GRCh38, chr13:110,187,177, plus strand): 5'-AAAGTCTGGAGATAAACATACCGGCGAGCCCTTGGGGCCAGGAAGACCCGGATGGCCATC[T>G]CTTCCAGGAGAACCCGCTCTCCCTGGCATGCCGGGCTGTCCTGGAAAGCCTGGGTCTCCT-3'
Protein context (NP_001836.3, residues 553-573): GMPGRAGSPG[Arg563Ser]DGHPGLPGPK